The following is an entry in ClinVar:

NM_001206927.2(DNAH8):c.7728A>G (p.Gly2576=)

Gene: DNAH8 (dynein axonemal heavy chain 8; plus strand). Cytogenetic location: 6p21.2.
Variant type: single nucleotide variant.
Coding change: c.7728A>G on transcript NM_001206927.2 (MANE Select); coding-DNA position 7728, A replaced by G.
Protein change: p.Gly2576=; no amino-acid change (glycine 2576 retained).
Molecular consequence: synonymous variant.
Genome position (GRCh38, 1-based): chr6:38,875,698, A>G. VCF-style: chr6-38875698-A-G. GRCh37 (hg19) VCF-style: chr6-38843474-A-G.
Other names: c.7077A>G, p.Gly2359= (NM_001371.4).
Identifiers: ClinVar variation 454595 (VCV000454595.23), dbSNP rs140943630, ClinGen allele CA3790004.

ClinVar aggregate classification (germline): Likely benign. Review status: criteria provided, multiple submitters, no conflicts (2 of 4 stars). 2 submissions from 2 submitters: Likely benign (2). Last evaluated 2025-11-18.

Conditions:
Primary ciliary dyskinesia. Also called: Ciliary dyskinesia. Identifiers: Orphanet 244, MedGen C0008780, MONDO:0016575, HP:0012265.

Allele frequency attached by ClinVar (database versions not stated): gnomAD 0.00006 and 0.00007; TOPMed 0.00008; ExAC 0.00009; gnomAD exomes 0.00010 and 0.00015; ESP Exome Variant Server 0.00015; 1000 Genomes Project 30x 0.00016; 1000 Genomes Project 0.00020.
gnomAD v4.1: 238 of 1,613,936 alleles (0.015%); highest among the groups gnomAD compares: Middle Eastern, 0.049%; no homozygotes.

Submissions (2):

Labcorp Genetics (formerly Invitae), Labcorp
Classification: Likely benign for Primary ciliary dyskinesia. Last evaluated: 2025-11-18. Review status: criteria provided, single submitter. Criteria: Invitae Variant Classification Sherloc (09022015). Collection method: clinical testing. Allele origin: germline.

CeGaT Center for Human Genetics Tuebingen
Classification: Likely benign. Last evaluated: 2024-11-01. Review status: criteria provided, single submitter. Criteria: CeGaT Center For Human Genetics Tuebingen Variant Classification Criteria Version 2. Collection method: clinical testing. Allele origin: germline. Affected: yes. Observed: 1 variant allele.
Comment: DNAH8: BP4, BP7